The following is an entry in ClinVar:

ClinVar aggregate classification (germline): Likely pathogenic (1 of 4 stars; one submission).

Submission:

Medical Genetics Laboratory, Aydin Adnan Menderes University
Classification: Likely pathogenic. Last evaluated: 2025-07-19. Review status: criteria provided, single submitter. Criteria: ACMG Guidelines, 2015. Collection method: clinical testing. Allele origin: biparental. Inheritance: Autosomal recessive inheritance. Affected: yes. Observed: 4 variant alleles, 2 heterozygotes, 2 homozygotes. Clinical features observed: HPO:0012758, Short stature (HP:0004322), Intellectual disability (HP:0001249), Microcephaly (HP:0000252), Axial hypotonia (HP:0008936), Lower limb spasticity (HP:0002061).
Comment: The TTBK1 c.1899del (p.Thr634Argfs*39) variant is a single-nucleotide deletion that results in a frameshift and introduces a premature termination codon 39 amino acids downstream. This is predicted to trigger nonsense-mediated mRNA decay (NMD), leading to loss of function (PVS1). The variant is not found in population databases such as gnomAD (PM2). Segregation analysis in the family showed that both affected siblings were homozygous for the variant, while both parents were heterozygous carriers, supporting autosomal recessive inheritance (PP1_Strong). Based on these criteria, this variant is classified as likely pathogenic according to ACMG/AMP 2015 guidelines.

NM_032538.3(TTBK1):c.1899del (p.Thr634fs)

Gene: TTBK1 (tau tubulin kinase 1; plus strand). Cytogenetic location: 6p21.1.
Variant type: Deletion.
Coding change: c.1899del on transcript NM_032538.3 (MANE Select); coding-DNA position 1899, one base deleted (C; older notation c.1899delC).
Protein change: p.Thr634fs; shifts the reading frame from threonine 634.
Molecular consequence: frameshift variant.
Genome position (GRCh38, 1-based): chr6:43,263,263, C deleted; the last of 6 consecutive C bases (chr6:43,263,258-43,263,263); deleting any one gives the same sequence. VCF-style (leftmost placement, unchanged base first): chr6-43263257-GC-G. GRCh37 (hg19) VCF-style: chr6-43230995-GC-G.
Other names: short protein forms T634fs.
Identifiers: ClinVar variation 4073710 (VCV004073710.1).